The following is an entry in ClinVar:

NM_022168.4(IFIH1):c.2454G>A (p.Gln818=)

Gene: IFIH1 (interferon induced with helicase C domain 1; minus strand). Cytogenetic location: 2q24.2.
Variant type: single nucleotide variant.
Coding change: c.2454G>A on transcript NM_022168.4 (MANE Select); coding-DNA position 2454, G replaced by A.
Protein change: p.Gln818=; no amino-acid change (glutamine 818 retained).
Molecular consequence: synonymous variant.
Genome position (GRCh38, 1-based): chr2:162,273,795, C>T on the plus strand (G>A on the coding strand, the complement: IFIH1 is on the minus strand). VCF-style: chr2-162273795-C-T. GRCh37 (hg19) VCF-style: chr2-163130305-C-T.
Identifiers: ClinVar variation 2922551 (VCV002922551.5), dbSNP rs1054335461, ClinGen allele CA59656660.
Genomic context (GRCh38, chr2:162,273,795, plus strand): 5'-ATTAAAATAGGAACACAACAAATAAAAATTAACATAGTAAGTAGAGGTATTTGAATGTAC[C>T]TGGACCATGGCTATTTCATTGGTGACGAGACCATAACGGATAACAATGTTACATTCTTTA-3'
Protein context (NP_071451.2, residues 808-828): GLVTNEIAMV[Gln818=]ARGRARADES

ClinVar aggregate classification (germline): Uncertain significance. Review status: criteria provided, multiple submitters, no conflicts (2 of 4 stars). 2 submissions from 2 submitters: Uncertain significance (2). Last evaluated 2025-08-19.

Conditions:
Singleton-Merten syndrome 1 (SGMRT1). Also called: Widened medullary cavities of bone, aortic calcification, abnormal dentition, and muscular weakness; Syndrome of widened medullary cavities of the metacarpals and phalanges, aortic calcification and abnormal dentition. Identifiers: Orphanet 85191, MedGen C4225427, MONDO:0024535, OMIM 182250.
Aicardi-Goutieres syndrome 7 (AGS7). Identifiers: Orphanet 51, MedGen C3888244, MONDO:0014367, OMIM 615846.

Allele frequency attached by ClinVar (database versions not stated): TOPMed below 0.00001; gnomAD 0.00001; gnomAD exomes below 0.00001.

Submissions (2):

Dasa
Classification: Uncertain significance. Last evaluated: 2025-08-19. Review status: criteria provided, single submitter. Criteria: DASA Assertion Criteria. Collection method: clinical testing. Allele origin: germline.
Comment: NM_022168.4(IFIH1):c.2454G>A (p.Gln818=) is a synonymous variant predicted not to alter the encoded amino acid sequence. This variant is rare in population databases. Computational prediction algorithms are consistent with a deleterious effect. The currently available literature and clinical evidence are not sufficient to establish a definitive association between this variant and the reported condition. Therefore, this variant is classified as a variant of uncertain significance.

Labcorp Genetics (formerly Invitae), Labcorp
Classification: Uncertain significance for Aicardi-Goutieres syndrome 7; Singleton-Merten syndrome 1. Last evaluated: 2024-04-17. Review status: criteria provided, single submitter. Criteria: Invitae Variant Classification Sherloc (09022015). Collection method: clinical testing. Allele origin: germline.
Comment: This sequence change affects codon 818 of the IFIH1 mRNA. It is a 'silent' change, meaning that it does not change the encoded amino acid sequence of the IFIH1 protein. This variant also falls at the last nucleotide of exon 12, which is part of the consensus splice site for this exon. This variant is not present in population databases (gnomAD no frequency). This variant has not been reported in the literature in individuals affected with IFIH1-related conditions. Variants that disrupt the consensus splice site are a relatively common cause of aberrant splicing (PMID: 17576681, 9536098). Algorithms developed to predict the effect of sequence changes on RNA splicing suggest that this variant may disrupt the consensus splice site. In summary, the available evidence is currently insufficient to determine the role of this variant in disease. Therefore, it has been classified as a Variant of Uncertain Significance.

Literature cited by the submitters: PubMed 17576681 (cited by Labcorp Genetics (formerly Invitae), Labcorp); PubMed 9536098 (cited by Labcorp Genetics (formerly Invitae), Labcorp).